The following is an entry in ClinVar:

ClinVar aggregate classification (germline): Uncertain significance (1 of 4 stars; one submission).

Allele frequency attached by ClinVar (database versions not stated): gnomAD exomes below 0.00001; ExAC 0.00001.
gnomAD v4.1: 3 of 1,613,682 alleles (0.00019%); highest among the groups gnomAD compares: Non-Finnish European, 0.00025%; no homozygotes.

Submission:

Labcorp Genetics (formerly Invitae), Labcorp
Classification: Uncertain significance. Last evaluated: 2023-06-13. Review status: criteria provided, single submitter. Criteria: Invitae Variant Classification Sherloc (09022015). Collection method: clinical testing. Allele origin: germline.
Comment: In summary, the available evidence is currently insufficient to determine the role of this variant in disease. Therefore, it has been classified as a Variant of Uncertain Significance. This sequence change replaces alanine, which is neutral and non-polar, with valine, which is neutral and non-polar, at codon 315 of the PRPF8 protein (p.Ala315Val). This variant is present in population databases (rs773955596, gnomAD 0.0009%). This variant has not been reported in the literature in individuals affected with PRPF8-related conditions. ClinVar contains an entry for this variant (Variation ID: 968851). Advanced modeling of protein sequence and biophysical properties (such as structural, functional, and spatial information, amino acid conservation, physicochemical variation, residue mobility, and thermodynamic stability) performed at Invitae indicates that this missense variant is expected to disrupt PRPF8 protein function.

NM_006445.4(PRPF8):c.944C>T (p.Ala315Val)

Gene: PRPF8 (pre-mRNA processing factor 8; minus strand). Cytogenetic location: 17p13.3.
Variant type: single nucleotide variant.
Coding change: c.944C>T on transcript NM_006445.4 (MANE Select); coding-DNA position 944, C replaced by T.
Protein change: p.Ala315Val; replaces alanine 315 with valine.
Molecular consequence: missense variant.
Genome position (GRCh38, 1-based): chr17:1,680,977, G>A on the plus strand (C>T on the coding strand, the complement: PRPF8 is on the minus strand). VCF-style: chr17-1680977-G-A. GRCh37 (hg19) VCF-style: chr17-1584271-G-A.
Other names: short protein forms A315V.
Identifiers: ClinVar variation 968851 (VCV000968851.7), dbSNP rs773955596, ClinGen allele CA8272505.